The following is an entry in ClinVar:

NM_022081.6(HPS4):c.97A>G (p.Thr33Ala)

Gene: HPS4 (HPS4 biogenesis of lysosomal organelles complex 3 subunit 2; minus strand). Cytogenetic location: 22q12.1.
Variant type: single nucleotide variant.
Coding change: c.97A>G on transcript NM_022081.6 (MANE Select); coding-DNA position 97, A replaced by G.
Protein change: p.Thr33Ala; replaces threonine 33 with alanine.
Molecular consequence: missense variant. On other transcripts: non-coding transcript variant (8).
Genome position (GRCh38, 1-based): chr22:26,479,300, T>C on the plus strand (A>G on the coding strand, the complement: HPS4 is on the minus strand). VCF-style: chr22-26479300-T-C. GRCh37 (hg19) VCF-style: chr22-26875266-T-C.
Other names: c.97A>G, p.Thr33Ala (NM_001349896.1, NM_001349898.2, NM_001349899.2 and 6 more transcripts); c.82A>G, p.Thr28Ala (NM_152841.2); short protein forms T28A, T33A.
Identifiers: ClinVar variation 1392615 (VCV001392615.6), dbSNP rs765596627, ClinGen allele CA10163829.

ClinVar aggregate classification (germline): Uncertain significance (1 of 4 stars; one submission).

Allele frequency attached by ClinVar (database versions not stated): gnomAD exomes below 0.00001; ExAC 0.00001.
gnomAD v4.1: 1 of 1,614,210 alleles (0.000062%); highest among the groups gnomAD compares: Non-Finnish European, 0.000085%; no homozygotes.

Submission:

Labcorp Genetics (formerly Invitae), Labcorp
Classification: Uncertain significance. Last evaluated: 2022-02-25. Review status: criteria provided, single submitter. Criteria: Invitae Variant Classification Sherloc (09022015). Collection method: clinical testing. Allele origin: germline.
Comment: In summary, the available evidence is currently insufficient to determine the role of this variant in disease. Therefore, it has been classified as a Variant of Uncertain Significance. Algorithms developed to predict the effect of missense changes on protein structure and function are either unavailable or do not agree on the potential impact of this missense change (SIFT: "Tolerated"; PolyPhen-2: "Probably Damaging"; Align-GVGD: "Class C0"). This variant has not been reported in the literature in individuals affected with HPS4-related conditions. This variant is present in population databases (rs765596627, gnomAD 0.0009%). This sequence change replaces threonine, which is neutral and polar, with alanine, which is neutral and non-polar, at codon 33 of the HPS4 protein (p.Thr33Ala).